The following is an entry in ClinVar:

NM_005560.6(LAMA5):c.8792+4C>T

Gene: LAMA5 (laminin subunit alpha 5; minus strand). Cytogenetic location: 20q13.33.
Variant type: single nucleotide variant.
Coding change: c.8792+4C>T on transcript NM_005560.6 (MANE Select); 4 bases into the intron after coding-DNA position 8792, C replaced by T.
Molecular consequence: intron variant.
Genome position (GRCh38, 1-based): chr20:62,313,323, G>A on the plus strand (C>T on the coding strand, the complement: LAMA5 is on the minus strand). VCF-style: chr20-62313323-G-A. GRCh37 (hg19) VCF-style: chr20-60888379-G-A.
Identifiers: ClinVar variation 2053575 (VCV002053575.25), dbSNP rs373177574, ClinGen allele CA9940559.

ClinVar aggregate classification (germline): Conflicting classifications of pathogenicity. Review status: criteria provided, conflicting classifications (1 of 4 stars). 2 submissions from 2 submitters: Uncertain significance (1); Likely benign (1). Last evaluated 2023-11-01.

Allele frequency attached by ClinVar (database versions not stated): TOPMed 0.00042; gnomAD 0.00054; ExAC 0.00080; gnomAD exomes 0.00081; ESP Exome Variant Server 0.00102.
gnomAD v4.1: 1,208 of 1,551,238 alleles (0.078%); highest among the groups gnomAD compares: Non-Finnish European, 0.097%; 2 homozygotes.

Submissions (2):

CeGaT Center for Human Genetics Tuebingen
Classification: Likely benign. Last evaluated: 2023-11-01. Review status: criteria provided, single submitter. Criteria: CeGaT Center For Human Genetics Tuebingen Variant Classification Criteria Version 2. Collection method: clinical testing. Allele origin: germline. Affected: yes. Observed: 5 variant alleles.
Comment: LAMA5: BP4

Labcorp Genetics (formerly Invitae), Labcorp
Classification: Uncertain significance. Last evaluated: 2022-07-03. Review status: criteria provided, single submitter. Criteria: Invitae Variant Classification Sherloc (09022015). Collection method: clinical testing. Allele origin: germline.
Comment: This sequence change falls in intron 64 of the LAMA5 gene. It does not directly change the encoded amino acid sequence of the LAMA5 protein. It affects a nucleotide within the consensus splice site. This variant is present in population databases (rs373177574, gnomAD 0.08%), and has an allele count higher than expected for a pathogenic variant. This variant has not been reported in the literature in individuals affected with LAMA5-related conditions. Variants that disrupt the consensus splice site are a relatively common cause of aberrant splicing (PMID: 17576681, 9536098). Algorithms developed to predict the effect of sequence changes on RNA splicing suggest that this variant may create or strengthen a splice site. In summary, the available evidence is currently insufficient to determine the role of this variant in disease. Therefore, it has been classified as a Variant of Uncertain Significance.

Literature cited by the submitters: PubMed 17576681 (cited by Labcorp Genetics (formerly Invitae), Labcorp); PubMed 9536098 (cited by Labcorp Genetics (formerly Invitae), Labcorp).